The following is an entry in ClinVar:

ClinVar aggregate classification (germline): Uncertain significance (1 of 4 stars; one submission).

Conditions:
Immunodeficiency, common variable, 10. Also called: IMMUNODEFICIENCY, COMMON VARIABLE, WITH CENTRAL ADRENAL INSUFFICIENCY; DEFICIT IN ANTERIOR PITUITARY FUNCTION AND VARIABLE IMMUNODEFICIENCY. Identifiers: MedGen C3809991, MONDO:0014260, OMIM 615577.

Allele frequency attached by ClinVar (database versions not stated): TOPMed below 0.00001.

Submission:

Labcorp Genetics (formerly Invitae), Labcorp
Classification: Uncertain significance for Immunodeficiency, common variable, 10. Last evaluated: 2025-03-31. Review status: criteria provided, single submitter. Criteria: Invitae Variant Classification Sherloc (09022015). Collection method: clinical testing. Allele origin: germline.
Comment: This sequence change replaces valine, which is neutral and non-polar, with methionine, which is neutral and non-polar, at codon 535 of the NFKB2 protein (p.Val535Met). This variant is not present in population databases (gnomAD no frequency). This variant has not been reported in the literature in individuals affected with NFKB2-related conditions. ClinVar contains an entry for this variant (Variation ID: 2901024). An algorithm developed to predict the effect of missense changes on protein structure and function (PolyPhen-2) suggests that this variant is likely to be disruptive. In summary, the available evidence is currently insufficient to determine the role of this variant in disease. Therefore, it has been classified as a Variant of Uncertain Significance.

NM_001322934.2(NFKB2):c.1603G>A (p.Val535Met)

Gene: NFKB2 (nuclear factor kappa B subunit 2; plus strand). Cytogenetic location: 10q24.32.
Variant type: single nucleotide variant.
Coding change: c.1603G>A on transcript NM_001322934.2 (MANE Select); coding-DNA position 1603, G replaced by A.
Protein change: p.Val535Met; replaces valine 535 with methionine.
Molecular consequence: missense variant.
Genome position (GRCh38, 1-based): chr10:102,400,296, G>A. VCF-style: chr10-102400296-G-A. GRCh37 (hg19) VCF-style: chr10-104160053-G-A.
Other names: c.1603G>A, p.Val535Met (NM_001077493.1, NM_001077494.3, NM_001261403.3 and 2 more transcripts); c.1477G>A, p.Val493Met (NM_001322935.1); short protein forms V535M, V493M.
Identifiers: ClinVar variation 2901024 (VCV002901024.3), dbSNP rs2061208025, ClinGen allele CA377901564.